The following is an entry in ClinVar:

ClinVar aggregate classification (germline): Conflicting classifications of pathogenicity. Review status: criteria provided, conflicting classifications (1 of 4 stars). 11 submissions from 11 submitters: Uncertain significance (6); Likely benign (2). 3 of the submissions do not count toward it. Last evaluated 2025-01-05.

Conditions:
Hereditary breast ovarian cancer syndrome. Also called: Hereditary breast and ovarian cancer syndrome; Hereditary breast and ovarian cancer; Hereditary breast and ovarian cancer syndrome (HBOC); Breast and ovarian cancer; Hereditary breast and/or ovarian cancer syndrome; BRCA1- and BRCA2-Associated Hereditary Breast and Ovarian Cancer. Identifiers: Orphanet 145, MedGen C0677776, MeSH D061325, MONDO:0003582. Disease mechanism: loss of function.
Hereditary cancer-predisposing syndrome. Also called: Neoplastic Syndromes, Hereditary; Tumor predisposition; Hereditary neoplastic syndrome; Hereditary Cancer Syndrome. Identifiers: Orphanet 140162, MedGen C0027672, MeSH D009386, MONDO:0015356.
BRCA2-related disorder. Also called: BRCA2-related condition; BRCA2-related disorders. Identifiers: MedGen CN239275.
Breast-ovarian cancer, familial, susceptibility to, 2 (BROVCA2). Also called: BRCA2 Hereditary Breast and Ovarian Cancer. Identifiers: Orphanet 145, MedGen C2675520, MONDO:0012933, OMIM 612555. Disease mechanism: loss of function.

Allele frequency attached by ClinVar (database versions not stated): gnomAD exomes below 0.00001.
gnomAD v4.1: 2 of 1,613,422 alleles (0.00012%); highest among the groups gnomAD compares: African/African-American, 0.0027%; no homozygotes.

Submissions (11):

Ambry Genetics
Classification: Uncertain significance for Hereditary cancer-predisposing syndrome. Last evaluated: 2025-01-05. Review status: criteria provided, single submitter. Criteria: Ambry Variant Classification Scheme 2023. Collection method: clinical testing. Allele origin: germline.
Comment: The p.N1619S variant (also known as c.4856A>G), located in coding exon 10 of the BRCA2 gene, results from an A to G substitution at nucleotide position 4856. The asparagine at codon 1619 is replaced by serine, an amino acid with highly similar properties. This amino acid position is poorly conserved in available vertebrate species. In addition, this alteration is predicted to be tolerated by in silico analysis. Since supporting evidence is limited at this time, the clinical significance of this alteration remains unclear.

All of Us Research Program, National Institutes of Health
Classification: Uncertain significance for Breast-ovarian cancer, familial, susceptibility to, 2. Last evaluated: 2023-06-26. Review status: criteria provided, single submitter. Criteria: ACMG Guidelines, 2015. Collection method: clinical testing. Allele origin: germline. Inheritance: Autosomal dominant inheritance. Observed: 1 variant allele, 1 heterozygote.
Comment: This missense variant replaces asparagine with serine at codon 1619 of the BRCA2 protein. Computational prediction suggests that this variant may not impact protein structure and function (internally defined REVEL score threshold <= 0.5, PMID: 27666373). To our knowledge, functional studies have not been reported for this variant. This variant has been reported in a multifactorial analysis with co-occurrence and family history likelihood ratios for pathogenicity of f 1.025 and 0.473, respectively (PMID: 31131967). This variant has not been identified in the general population by the Genome Aggregation Database (gnomAD). The available evidence is insufficient to determine the role of this variant in disease conclusively. Therefore, this variant is classified as a Variant of Uncertain Significance.

This study involves interpretation of variants in research participants for the purpose of population health screening. Participant phenotype was not available at the time of variant classification. Additional details can be found in publication PMID: 35346344, PMCID: PMC8962531

Color Diagnostics, LLC DBA Color Health
Classification: Uncertain significance for Hereditary cancer-predisposing syndrome. Last evaluated: 2023-06-01. Review status: criteria provided, single submitter. Criteria: ACMG Guidelines, 2015. Collection method: clinical testing. Allele origin: germline.
Comment: This missense variant replaces asparagine with serine at codon 1619 of the BRCA2 protein. Computational prediction suggests that this variant may not impact protein structure and function (internally defined REVEL score threshold <= 0.5, PMID: 27666373). To our knowledge, functional studies have not been reported for this variant. This variant has been reported in a multifactorial analysis with co-occurrence and family history likelihood ratios for pathogenicity of f 1.025 and 0.473, respectively (PMID: 31131967). This variant has not been identified in the general population by the Genome Aggregation Database (gnomAD). The available evidence is insufficient to determine the role of this variant in disease conclusively. Therefore, this variant is classified as a Variant of Uncertain Significance.

Labcorp Genetics (formerly Invitae), Labcorp
Classification: Uncertain significance for Hereditary breast ovarian cancer syndrome. Last evaluated: 2023-04-10. Review status: criteria provided, single submitter. Criteria: Invitae Variant Classification Sherloc (09022015). Collection method: clinical testing. Allele origin: germline.
Comment: In summary, the available evidence is currently insufficient to determine the role of this variant in disease. Therefore, it has been classified as a Variant of Uncertain Significance. Advanced modeling of protein sequence and biophysical properties (such as structural, functional, and spatial information, amino acid conservation, physicochemical variation, residue mobility, and thermodynamic stability) performed at Invitae indicates that this missense variant is not expected to disrupt BRCA2 protein function. ClinVar contains an entry for this variant (Variation ID: 51729). This missense change has been observed in individual(s) with breast cancer (PMID: 10923033). This variant is not present in population databases (gnomAD no frequency). This sequence change replaces asparagine, which is neutral and polar, with serine, which is neutral and polar, at codon 1619 of the BRCA2 protein (p.Asn1619Ser).

University of Washington Department of Laboratory Medicine, University of Washington
Classification: Likely benign for Hereditary cancer-predisposing syndrome. Last evaluated: 2023-03-23. Review status: criteria provided, single submitter. Criteria: Dines et al. (Genet Med. 2020). Collection method: curation. Allele origin: germline.
Comment: Missense variant in a coldspot region where missense variants are very unlikely to be pathogenic (PMID:31911673).

BRCA2 exon 11 coldspot. Reclassification based on statistical prior probability.

ARUP Laboratories, Molecular Genetics and Genomics, ARUP Laboratories
Classification: Uncertain significance. Last evaluated: 2020-07-29. Review status: criteria provided, single submitter. Criteria: ARUP Molecular Germline Variant Investigation Process. Collection method: clinical testing. Allele origin: germline.
Comment: The BRCA2 c.4856A>G; p.Asn1619Ser variant (rs80358709), to our knowledge, is not reported in the medical literature associated with disease but is considered likely benign by a multifactorial likelihood analysis (Parsons 2019). This variant is reported in ClinVar (Variation ID: 51729), and is absent from general population databases (Exome Variant Server, Genome Aggregation Database), indicating it is not a common polymorphism. The asparagine at codon 1619 is weakly conserved, and computational analyses (SIFT, PolyPhen-2) predict that this variant is tolerated. Due to limited information, the clinical significance of the p.Asn1619Ser variant is uncertain at this time. References: Parsons MT et al. Large scale multifactorial likelihood quantitative analysis of BRCA1 and BRCA2 variants: An ENIGMA resource to support clinical variant classification. Hum Mutat. 2019;40(9):1557-1578.

GeneDx
Classification: Likely benign. Last evaluated: 2019-04-19. Review status: criteria provided, single submitter. Criteria: GeneDx Variant Classification Process June 2021. Collection method: clinical testing. Allele origin: germline. Affected: yes.
Comment: Not observed in large population cohorts (Lek et al., 2016)

Women's Health and Genetics/Laboratory Corporation of America, LabCorp
Classification: Uncertain significance. Last evaluated: 2018-08-24. Review status: criteria provided, single submitter. Criteria: LabCorp Variant Classification Summary - May 2015. Collection method: clinical testing. Allele origin: germline.
Comment: Variant summary: BRCA2 c.4856A>G (p.Asn1619Ser) results in a conservative amino acid change in the encoded protein sequence. Four of four in-silico tools predict a benign effect of the variant on protein function. The variant was absent in 245428 control chromosomes (gnomAD). The available data on variant occurrences in the general population are insufficient to allow any conclusion about variant significance. To our knowledge, no occurrence of c.4856A>G in individuals affected with Hereditary Breast and Ovarian Cancer and no experimental evidence demonstrating its impact on protein function have been reported. One clinical diagnostic laboratory has submitted clinical-significance assessments for this variant to ClinVar after 2014 without evidence for independent evaluation, and classified the variant as uncertain significance. Based on the evidence outlined above, the variant was classified as uncertain significance.

PreventionGenetics, part of Exact Sciences
Classification: Uncertain significance for BRCA2-related condition. Last evaluated: 2024-08-02. Review status: no assertion criteria provided. Collection method: clinical testing. Allele origin: germline. Not counted in ClinVar's aggregate classification.
Comment: The BRCA2 c.4856A>G variant is predicted to result in the amino acid substitution p.Asn1619Ser. This variant has been reported in the literature in an individual with breast cancer (Szabo C et al. 2000. PubMed ID: 10923033). This variant is not present in a large population database, indicating this variant is rare. This variant has conflicting interpretations in ClinVar ranging from uncertain to likely benign. At this time, the clinical significance of this variant is uncertain due to the absence of conclusive functional and genetic evidence.

Counsyl
Classification: Uncertain significance for Breast-ovarian cancer, familial, susceptibility to, 2. Last evaluated: 2018-04-18. Review status: no assertion criteria provided. Collection method: clinical testing. Allele origin: unknown. Not counted in ClinVar's aggregate classification.

Breast Cancer Information Core (BIC) (BRCA2)
Classification: Uncertain significance for Breast-ovarian cancer, familial 2. Review status: no assertion criteria provided. Collection method: clinical testing. Allele origin: germline. Affected: yes. Observed: 1 variant allele. Not counted in ClinVar's aggregate classification.

Literature cited by the submitters: PubMed 31131967 (cited by All of Us Research Program, National Institutes of Health and Color Diagnostics, LLC DBA Color Health); PubMed 10923033 (cited by Labcorp Genetics (formerly Invitae), Labcorp).

NM_000059.4(BRCA2):c.4856A>G (p.Asn1619Ser)

Gene: BRCA2 (BRCA2 DNA repair associated; plus strand). Cytogenetic location: 13q13.1.
Variant type: single nucleotide variant.
Coding change: c.4856A>G on transcript NM_000059.4 (MANE Select); coding-DNA position 4856, A replaced by G.
Protein change: p.Asn1619Ser; replaces asparagine 1619 with serine.
Molecular consequence: missense variant.
Genome position (GRCh38, 1-based): chr13:32,339,211, A>G. VCF-style: chr13-32339211-A-G. GRCh37 (hg19) VCF-style: chr13-32913348-A-G.
Other names: short protein forms N1619S.
Identifiers: ClinVar variation 51729 (VCV000051729.38), dbSNP rs80358709, ClinGen allele CA020922.